The following is an entry in ClinVar:

ClinVar aggregate classification (germline): Benign. Review status: criteria provided, multiple submitters, no conflicts (2 of 4 stars). 3 submissions from 2 submitters: Benign (3). Last evaluated 2018-01-13.

Conditions:
Nephronophthisis 12 (NPHP12). Identifiers: Orphanet 655, MedGen C3151186, MONDO:0013442, OMIM 613820.
Asphyxiating thoracic dystrophy 4 (SRTD4). Also called: SHORT-RIB THORACIC DYSPLASIA 4 WITH OR WITHOUT POLYDACTYLY; SHORT-RIB THORACIC DYSPLASIA 4. Identifiers: Orphanet 474, MedGen C3151185, MONDO:0013441, OMIM 613819.

Allele frequency attached by ClinVar (database versions not stated): 1000 Genomes Project 30x 0.16615; gnomAD 0.16645 and 0.16783; 1000 Genomes Project 0.16893; TOPMed 0.17235.

Submissions (3):

Illumina Laboratory Services, Illumina
Classification: Benign for Asphyxiating thoracic dystrophy 4. Last evaluated: 2018-01-13. Review status: criteria provided, single submitter. Criteria: ICSL Variant Classification Criteria 13 December 2019. Collection method: clinical testing. Allele origin: germline.
Comment: This variant was observed in the ICSL laboratory as part of a predisposition screen in an ostensibly healthy population. It had not been previously curated by ICSL or reported in the Human Gene Mutation Database (HGMD: prior to June 1st, 2018), and was therefore a candidate for classification through an automated scoring system. Utilizing variant allele frequency, disease prevalence and penetrance estimates, and inheritance mode, an automated score was calculated to assess if this variant is too frequent to cause the disease. Based on the score and internal cut-off values, a variant classified as benign is not then subjected to further curation. The score for this variant resulted in a classification of benign for this disease.

Illumina Laboratory Services, Illumina
Classification: Benign for Nephronophthisis 12. Last evaluated: 2018-01-13. Review status: criteria provided, single submitter. Criteria: ICSL Variant Classification Criteria 13 December 2019. Collection method: clinical testing. Allele origin: germline.
Comment: the same text as in the submission from Illumina Laboratory Services, Illumina above.

Breakthrough Genomics
Classification: Benign. Review status: criteria provided, single submitter. Criteria: ACMG Guidelines, 2015. Collection method: not provided. Allele origin: germline. Inheritance: Autosomal recessive inheritance. Affected: yes.

NM_024753.5(TTC21B):c.*531A>G

Gene: TTC21B (tetratricopeptide repeat domain 21B; minus strand). Cytogenetic location: 2q24.3.
Variant type: single nucleotide variant.
Coding change: c.*531A>G on transcript NM_024753.5 (MANE Select); 531 bases downstream of the stop codon, A replaced by G.
Molecular consequence: 3 prime UTR variant.
Genome position (GRCh38, 1-based): chr2:165,874,224, T>C on the plus strand (A>G on the coding strand, the complement: TTC21B is on the minus strand). VCF-style: chr2-165874224-T-C. GRCh37 (hg19) VCF-style: chr2-166730734-T-C.
Identifiers: ClinVar variation 331810 (VCV000331810.6), dbSNP rs56115495, ClinGen allele CA10611158.